The following is an entry in ClinVar:

ClinVar aggregate classification (germline): Likely pathogenic. Review status: criteria provided, multiple submitters, no conflicts (2 of 4 stars). 2 submissions from 2 submitters: Likely pathogenic (2). Last evaluated 2025-06-20.

Conditions:
Cardiovascular phenotype. Identifiers: MedGen CN230736.
Autosomal recessive limb-girdle muscular dystrophy type 2J (LGMDR10). Also called: Limb-girdle muscular dystrophy, type 2J; MUSCULAR DYSTROPHY, LIMB-GIRDLE, AUTOSOMAL RECESSIVE 10. Identifiers: Orphanet 140922, MedGen C1837342, MONDO:0012127, OMIM 608807.
Dilated cardiomyopathy 1G (CMD1G). Identifiers: Orphanet 154, MedGen C1858763, MONDO:0011400, OMIM 604145.

Submissions (2):

Labcorp Genetics (formerly Invitae), Labcorp
Classification: Likely pathogenic for Dilated cardiomyopathy 1G; Autosomal recessive limb-girdle muscular dystrophy type 2J. Last evaluated: 2025-06-20. Review status: criteria provided, single submitter. Criteria: Invitae Variant Classification Sherloc (09022015). Collection method: clinical testing. Allele origin: germline.
Comment: This sequence change creates a premature translational stop signal (p.Leu34918*) in the TTN gene. While this is not anticipated to result in nonsense mediated decay, it is expected to create a truncated TTN protein. This variant is not present in population databases (gnomAD no frequency). This variant has not been reported in the literature in individuals affected with TTN-related conditions. ClinVar contains an entry for this variant (Variation ID: 2451948). This variant is located in the M band of TTN (PMID: 25589632). Truncating variants in this region have been previously reported in individuals affected with autosomal dominant or autosomal recessive myopathy and muscular dystrophy (PMID: 18948003, 23975875, 24395473). Truncating variants in this region have also been identified in individuals affected with autosomal dominant dilated cardiomyopathy and/or cardio-related conditions (PMID: 27869827, 32964742, internal data). In summary, the currently available evidence indicates that the variant is pathogenic, but additional data are needed to prove that conclusively. Therefore, this variant has been classified as Likely Pathogenic.

Ambry Genetics
Classification: Likely pathogenic for Cardiovascular phenotype. Last evaluated: 2023-03-09. Review status: criteria provided, single submitter. Criteria: Ambry Variant Classification Scheme 2023. Collection method: clinical testing. Allele origin: germline.
Comment: The p.L25853* variant (also known as c.77558T>A), located in coding exon 185 of the TTN gene, results from a T to A substitution at nucleotide position 77558. This changes the amino acid from a leucine to a stop codon within coding exon 185. This exon is located in the M-band region of the N2-B isoform of the titin protein and is constitutively expressed in TTN transcripts (percent spliced in or PSI 100%). This variant is considered to be rare based on population cohorts in the Genome Aggregation Database (gnomAD). This alteration is expected to result in loss of function by premature protein truncation or nonsense-mediated mRNA decay. While truncating variants in TTN are present in 1-3% of the general population, truncating variants in the M-band have been reported in association with autosomal recessive titinopathies, primarily presenting with skeletal myopathy phenotypes (Ceyhan-Birsoy O et al. Neurology. 2013 Oct 1;81(14):1205-14; De Cid R et al. Neurology. 2015;85(24):2126-35). In addition, regardless of their position, TTN truncating variants encoded in constitutive exons (PSI >90%) have been found to be significantly associated with dilated cardiomyopathy (DCM), though truncating variants in the A-band are the most common cause of DCM (Herman DS et al. N. Engl. J. Med., 2012 Feb;366:619-28; Roberts AM et al. Sci Transl Med, 2015 Jan;7:270ra6; Schafer S et al. Nat. Genet., 2017 01;49:46-53). Based on the majority of available evidence to date, this variant is likely to be pathogenic in association with autosomal recessive titinopathy; however, the clinical significance of this alteration with respect to cardiomyopathy remains unclear.

Literature cited by the submitters: PubMed 25589632 (cited by Labcorp Genetics (formerly Invitae), Labcorp); PubMed 18948003 (cited by Labcorp Genetics (formerly Invitae), Labcorp); PubMed 23975875 (cited by Labcorp Genetics (formerly Invitae), Labcorp); PubMed 24395473 (cited by Labcorp Genetics (formerly Invitae), Labcorp); PubMed 27869827 (cited by Labcorp Genetics (formerly Invitae), Labcorp); PubMed 32964742 (cited by Labcorp Genetics (formerly Invitae), Labcorp).

NM_001267550.2(TTN):c.104753T>A (p.Leu34918Ter)

Genes: TTN (titin; minus strand), TTN-AS1 (TTN antisense RNA 1; plus strand). Cytogenetic location: 2q31.2.
Variant type: single nucleotide variant.
Coding change: c.104753T>A on transcript NM_001267550.2 (MANE Select); coding-DNA position 104753, T replaced by A.
Protein change: p.Leu34918Ter; replaces leucine 34918 with a stop codon.
Molecular consequence: nonsense.
Genome position (GRCh38, 1-based): chr2:178,531,862, A>T on the plus strand (T>A on the coding strand, the complement: TTN is on the minus strand). VCF-style: chr2-178531862-A-T. GRCh37 (hg19) VCF-style: chr2-179396589-A-T.
Other names: c.99830T>A, p.Leu33277Ter (NM_001256850.1); c.77558T>A, p.Leu25853Ter (NM_003319.4); c.97049T>A, p.Leu32350Ter (NM_133378.4); c.77933T>A, p.Leu25978Ter (NM_133432.3); c.78134T>A, p.Leu26045Ter (NM_133437.4); short protein forms L26045*, L25978*, L32350*, L34918*, L25853*, L33277*.
Identifiers: ClinVar variation 2451948 (VCV002451948.3), dbSNP rs2468426201, ClinGen allele CA349411003.